The following is an entry in ClinVar:

ClinVar aggregate classification (germline): Uncertain significance (1 of 4 stars; one submission).

Conditions:
Oligodontia-cancer predisposition syndrome. Also called: TOOTH AGENESIS-COLORECTAL CANCER SYNDROME. Identifiers: Orphanet 300576, MedGen C1837750, MONDO:0012075, OMIM 608615. Disease mechanism: loss of function.

Submission:

Labcorp Genetics (formerly Invitae), Labcorp
Classification: Uncertain significance for Oligodontia-cancer predisposition syndrome. Last evaluated: 2023-06-25. Review status: criteria provided, single submitter. Criteria: Invitae Variant Classification Sherloc (09022015). Collection method: clinical testing. Allele origin: germline.
Comment: In summary, the available evidence is currently insufficient to determine the role of this variant in disease. Therefore, it has been classified as a Variant of Uncertain Significance. Advanced modeling of protein sequence and biophysical properties (such as structural, functional, and spatial information, amino acid conservation, physicochemical variation, residue mobility, and thermodynamic stability) performed at Invitae indicates that this missense variant is expected to disrupt AXIN2 protein function. ClinVar contains an entry for this variant (Variation ID: 1441056). This variant has not been reported in the literature in individuals affected with AXIN2-related conditions. This variant is not present in population databases (gnomAD no frequency). This sequence change replaces isoleucine, which is neutral and non-polar, with arginine, which is basic and polar, at codon 195 of the AXIN2 protein (p.Ile195Arg).

NM_004655.4(AXIN2):c.584T>G (p.Ile195Arg)

Gene: AXIN2 (axin 2; minus strand). Cytogenetic location: 17q24.1.
Variant type: single nucleotide variant.
Coding change: c.584T>G on transcript NM_004655.4 (MANE Select); coding-DNA position 584, T replaced by G.
Protein change: p.Ile195Arg; replaces isoleucine 195 with arginine.
Molecular consequence: missense variant.
Genome position (GRCh38, 1-based): chr17:65,558,037, A>C on the plus strand (T>G on the coding strand, the complement: AXIN2 is on the minus strand). VCF-style: chr17-65558037-A-C. GRCh37 (hg19) VCF-style: chr17-63554155-A-C.
Other names: c.584T>G, p.Ile195Arg (NM_001363813.1); short protein forms I195R.
Identifiers: ClinVar variation 1441056 (VCV001441056.6), dbSNP rs775069864, ClinGen allele CA400680789.